The following is an entry in ClinVar:

NM_152296.5(ATP1A3):c.1573A>T (p.Lys525Ter)

Gene: ATP1A3 (ATPase Na+/K+ transporting subunit alpha 3; minus strand). Cytogenetic location: 19q13.2.
Variant type: single nucleotide variant.
Coding change: c.1573A>T on transcript NM_152296.5 (MANE Select); coding-DNA position 1573, A replaced by T.
Protein change: p.Lys525Ter; replaces lysine 525 with a stop codon.
Molecular consequence: nonsense.
Genome position (GRCh38, 1-based): chr19:41,978,663, T>A on the plus strand (A>T on the coding strand, the complement: ATP1A3 is on the minus strand). VCF-style: chr19-41978663-T-A. GRCh37 (hg19) VCF-style: chr19-42482815-T-A.
Other names: c.1606A>T, p.Lys536Ter (NM_001256213.2); c.1612A>T, p.Lys538Ter (NM_001256214.2); short protein forms K525*, K536*, K538*.
Identifiers: ClinVar variation 3721511 (VCV003721511.2).

ClinVar aggregate classification (germline): Pathogenic (1 of 4 stars; one submission).

Conditions:
Dystonia 12 (DYT12). Also called: Rapid-Onset Dystonia-Parkinsonism (RDP); DYT-ATP1A3. Identifiers: Orphanet 71517, MedGen C1868681, MONDO:0007496, OMIM 128235.

Submission:

Labcorp Genetics (formerly Invitae), Labcorp
Classification: Pathogenic for Dystonia 12. Last evaluated: 2024-09-25. Review status: criteria provided, single submitter. Criteria: Invitae Variant Classification Sherloc (09022015). Collection method: clinical testing. Allele origin: germline.
Comment: This sequence change creates a premature translational stop signal (p.Lys525*) in the ATP1A3 gene. It is expected to result in an absent or disrupted protein product. Loss-of-function variants in ATP1A3 are known to be pathogenic (PMID: 24631656, 24983657). This variant is not present in population databases (gnomAD no frequency). This variant has not been reported in the literature in individuals affected with ATP1A3-related conditions. Algorithms developed to predict the effect of sequence changes on RNA splicing suggest that this variant may disrupt the consensus splice site. For these reasons, this variant has been classified as Pathogenic.

Literature cited by the submitters: PubMed 24631656; PubMed 24983657.